The following is an entry in ClinVar:

ClinVar aggregate classification (germline): Uncertain significance (1 of 4 stars; one submission).

Submission:

Ambry Genetics
Classification: Uncertain significance. Last evaluated: 2021-06-13. Review status: criteria provided, single submitter. Criteria: Ambry Variant Classification Scheme 2023. Collection method: clinical testing. Allele origin: germline.
Comment: The p.L1351V variant (also known as c.4051T>G), located in coding exon 4 of the ALPK2 gene, results from a T to G substitution at nucleotide position 4051. The leucine at codon 1351 is replaced by valine, an amino acid with highly similar properties. This amino acid position is conserved. In addition, this alteration is predicted to be tolerated by in silico analysis. Since supporting evidence is limited at this time, the clinical significance of this alteration remains unclear.

NM_052947.4(ALPK2):c.4051T>G (p.Leu1351Val)

Genes: ALPK2 (alpha kinase 2; minus strand), LOC126862764 (BRD4-independent group 4 enhancer GRCh37_chr18:56202574-56203773; plus strand). Cytogenetic location: 18q21.31.
Variant type: single nucleotide variant.
Coding change: c.4051T>G on transcript NM_052947.4 (MANE Select); coding-DNA position 4051, T replaced by G.
Protein change: p.Leu1351Val; replaces leucine 1351 with valine.
Molecular consequence: missense variant.
Genome position (GRCh38, 1-based): chr18:58,536,136, A>C on the plus strand (T>G on the coding strand, the complement: ALPK2 is on the minus strand). VCF-style: chr18-58536136-A-C. GRCh37 (hg19) VCF-style: chr18-56203368-A-C.
Other names: short protein forms L1351V.
Identifiers: ClinVar variation 1737377 (VCV001737377.2), dbSNP rs2518875522, ClinGen allele CA402564599.